The following is an entry in ClinVar:

NM_001211.6(BUB1B):c.3029C>G (p.Ser1010Cys)

Genes: BUB1B (BUB1 mitotic checkpoint serine/threonine kinase B; plus strand), BUB1B-PAK6 (BUB1B-PAK6 readthrough; plus strand). Cytogenetic location: 15q15.1.
Variant type: single nucleotide variant.
Coding change: c.3029C>G on transcript NM_001211.6 (MANE Select); coding-DNA position 3029, C replaced by G.
Protein change: p.Ser1010Cys; replaces serine 1010 with cysteine.
Molecular consequence: missense variant. On other transcripts: intron variant (2).
Genome position (GRCh38, 1-based): chr15:40,220,635, C>G. VCF-style: chr15-40220635-C-G. GRCh37 (hg19) VCF-style: chr15-40512836-C-G.
Other names: c.-201+2968C>G (NM_001128628.3); c.-118+2968C>G (NM_001128629.3); short protein forms S1010C.
Identifiers: ClinVar variation 3000957 (VCV003000957.3), dbSNP rs1367779530, ClinGen allele CA391689855.

ClinVar aggregate classification (germline): Uncertain significance (1 of 4 stars; one submission).

Conditions:
Mosaic variegated aneuploidy syndrome 1 (MVA1). Also called: Warburton-Anyane-Yeboa syndrome. Identifiers: Orphanet 1052, MedGen C1850343, MONDO:0009759, OMIM 257300.

gnomAD v4.1: 1 of 1,614,084 alleles (0.000062%); highest among the groups gnomAD compares: Non-Finnish European, 0.000085%; no homozygotes.

Submission:

Labcorp Genetics (formerly Invitae), Labcorp
Classification: Uncertain significance for Mosaic variegated aneuploidy syndrome 1. Last evaluated: 2023-01-28. Review status: criteria provided, single submitter. Criteria: Invitae Variant Classification Sherloc (09022015). Collection method: clinical testing. Allele origin: germline.
Comment: Algorithms developed to predict the effect of missense changes on protein structure and function are either unavailable or do not agree on the potential impact of this missense change (SIFT: "Tolerated"; PolyPhen-2: "Possibly Damaging"; Align-GVGD: "Class C0"). In summary, the available evidence is currently insufficient to determine the role of this variant in disease. Therefore, it has been classified as a Variant of Uncertain Significance. This variant has not been reported in the literature in individuals affected with BUB1B-related conditions. This sequence change replaces serine, which is neutral and polar, with cysteine, which is neutral and slightly polar, at codon 1010 of the BUB1B protein (p.Ser1010Cys). This variant is not present in population databases (gnomAD no frequency).